The following is an entry in ClinVar:

NM_172351.3(CD46):c.593A>C (p.Asp198Ala)

Gene: CD46 (CD46 molecule; plus strand). Cytogenetic location: 1q32.2.
Variant type: single nucleotide variant.
Coding change: c.593A>C on transcript NM_172351.3 (MANE Select); coding-DNA position 593, A replaced by C.
Protein change: p.Asp198Ala; replaces aspartic acid 198 with alanine.
Molecular consequence: missense variant.
Genome position (GRCh38, 1-based): chr1:207,761,366, A>C. VCF-style: chr1-207761366-A-C. GRCh37 (hg19) VCF-style: chr1-207934711-A-C.
Other names: c.593A>C, p.Asp198Ala (NM_002389.4, NM_153826.4, NM_172350.3 and 8 more transcripts); short protein forms D198A.
Identifiers: ClinVar variation 4291161 (VCV004291161.1).

ClinVar aggregate classification (germline): Uncertain significance (1 of 4 stars; one submission).

Conditions:
Atypical hemolytic-uremic syndrome. Identifiers: Orphanet 2134, MedGen C2931788, MONDO:0016244.

Submission:

Genomenon, Inc
Classification: Uncertain significance for Atypical hemolytic-uremic syndrome. Last evaluated: 2025-10-02. Review status: criteria provided, single submitter. Criteria: Genomenon Sequence Variant Interpretation Standards. Collection method: curation. Allele origin: germline. Affected: no.
Comment: CD46 p.Asp198Ala (c.593A>C) is a missense variant that changes the amino acid at residue 198 from Aspartic acid to Alanine. This variant has been reported in the published literature (PMID:10960475). It is absent or not present at a significant frequency in gnomAD. In silico models agree that this variant is not damaging. In conclusion, we classify CD46 p.Asp198Ala (c.593A>C) as a variant of uncertain significance.

Literature cited by the submitters: PubMed 10960475.